The following is an entry in ClinVar:

ClinVar aggregate classification (germline): Conflicting classifications of pathogenicity. Review status: criteria provided, conflicting classifications (1 of 4 stars). 8 submissions from 6 submitters: Uncertain significance (3); Likely benign (4). 1 of the submissions does not count toward it. Last evaluated 2026-01-09.

Conditions:
RYR1-related disorder. Also called: RYR1-related disorders; RYR1-related condition. Identifiers: MedGen CN239331.
Congenital multicore myopathy with external ophthalmoplegia (CMYO1B). Also called: MULTIMINICORE DISEASE WITH EXTERNAL OPHTHALMOPLEGIA; MULTICORE MYOPATHY; Congenital myopathy 1B, autosomal recessive; Minicore myopathy; Minicore myopathy with external ophthalmoplegia. Identifiers: Orphanet 598, Orphanet 98905, MedGen C1850674, MONDO:0009712, OMIM 255320, HP:0003789.
Malignant hyperthermia, susceptibility to, 1 (MHS1). Also called: Anesthesia related hyperthermia; Malignant hyperpyrexia; Fulminating hyperpyrexia; Pharmacogenic myopathy; RYR1-Related Malignant Hyperthermia Susceptibility; Malignant hyperthermia suceptibility 1. Identifiers: Orphanet 423, MedGen C2930980, MONDO:0007783, OMIM 145600.
Central core myopathy (CMYO1A). Also called: CONGENITAL MYOPATHY 1A, AUTOSOMAL DOMINANT, WITH SUSCEPTIBILITY TO MALIGNANT HYPERTHERMIA; Central core disease; Myopathy, central fibrillar. Identifiers: Orphanet 597, MedGen C5830701, MONDO:0007294, OMIM 117000.

Allele frequency attached by ClinVar (database versions not stated): TOPMed 0.00002; ExAC 0.00003; gnomAD 0.00003; gnomAD exomes 0.00005.
gnomAD v4.1: 95 of 1,613,144 alleles (0.0059%); highest among the groups gnomAD compares: South Asian, 0.0099%; 1 homozygote.

Submissions (8):

Labcorp Genetics (formerly Invitae), Labcorp
Classification: Likely benign for RYR1-related disorder. Last evaluated: 2026-01-09. Review status: criteria provided, single submitter. Criteria: Invitae Variant Classification Sherloc (09022015). Collection method: clinical testing. Allele origin: germline.

All of Us Research Program, National Institutes of Health
Classification: Likely benign for Malignant hyperthermia, susceptibility to, 1. Last evaluated: 2023-12-18. Review status: criteria provided, single submitter. Criteria: ACMG Guidelines, 2015. Collection method: clinical testing. Allele origin: germline. Inheritance: Autosomal dominant inheritance. Observed: 19 variant alleles, 19 heterozygotes.
Comment: This study involves interpretation of variants in research participants for the purpose of population health screening. Participant phenotype was not available at the time of variant classification. Additional details can be found in publication PMID: 35346344, PMCID: PMC8962531

Blueprint Genetics
Classification: Likely benign. Last evaluated: 2023-09-28. Review status: criteria provided, single submitter. Criteria: ACMG Guidelines, 2015. Collection method: clinical testing. Allele origin: germline.

Color Diagnostics, LLC DBA Color Health
Classification: Likely benign for Malignant hyperthermia, susceptibility to, 1. Last evaluated: 2022-11-06. Review status: criteria provided, single submitter. Criteria: ACMG Guidelines, 2015. Collection method: clinical testing. Allele origin: germline.

Illumina Laboratory Services, Illumina
Classification: Uncertain significance for Malignant hyperthermia, susceptibility to, 1. Last evaluated: 2018-01-13. Review status: criteria provided, single submitter. Criteria: ICSL Variant Classification Criteria 13 December 2019. Collection method: clinical testing. Allele origin: germline.

Illumina Laboratory Services, Illumina
Classification: Uncertain significance for Congenital multicore myopathy with external ophthalmoplegia. Last evaluated: 2018-01-13. Review status: criteria provided, single submitter. Criteria: ICSL Variant Classification Criteria 13 December 2019. Collection method: clinical testing. Allele origin: germline.

Illumina Laboratory Services, Illumina
Classification: Uncertain significance for Central core myopathy. Last evaluated: 2018-01-13. Review status: criteria provided, single submitter. Criteria: ICSL Variant Classification Criteria 13 December 2019. Collection method: clinical testing. Allele origin: germline.

PreventionGenetics, part of Exact Sciences
Classification: Likely benign for RYR1-related condition. Last evaluated: 2019-04-09. Review status: no assertion criteria provided. Collection method: clinical testing. Allele origin: germline. Not counted in ClinVar's aggregate classification.
Comment: This variant is classified as likely benign based on ACMG/AMP sequence variant interpretation guidelines (Richards et al. 2015 PMID: 25741868, with internal and published modifications).

NM_000540.3(RYR1):c.2937G>A (p.Ala979=)

Gene: RYR1 (ryanodine receptor 1; plus strand). Cytogenetic location: 19q13.2.
Variant type: single nucleotide variant.
Coding change: c.2937G>A on transcript NM_000540.3 (MANE Select); coding-DNA position 2937, G replaced by A.
Protein change: p.Ala979=; no amino-acid change (alanine 979 retained).
Molecular consequence: synonymous variant.
Genome position (GRCh38, 1-based): chr19:38,466,157, G>A. VCF-style: chr19-38466157-G-A. GRCh37 (hg19) VCF-style: chr19-38956797-G-A.
Other names: c.2937G>A, p.Ala979= (NM_001042723.2).
Identifiers: ClinVar variation 329003 (VCV000329003.19), dbSNP rs775442275, ClinGen allele CA064238.